The following is an entry in ClinVar:

ClinVar aggregate classification (germline): Pathogenic (1 of 4 stars; one submission).

Submission:

Labcorp Genetics (formerly Invitae), Labcorp
Classification: Pathogenic. Last evaluated: 2022-08-21. Review status: criteria provided, single submitter. Criteria: Invitae Variant Classification Sherloc (09022015). Collection method: clinical testing. Allele origin: germline.
Comment: For these reasons, this variant has been classified as Pathogenic. This variant has not been reported in the literature in individuals affected with LAMB1-related conditions. This variant is not present in population databases (gnomAD no frequency). This sequence change creates a premature translational stop signal (p.Pro878Glnfs*2) in the LAMB1 gene. It is expected to result in an absent or disrupted protein product. Loss-of-function variants in LAMB1 are known to be pathogenic (PMID: 23472759, 25925986).

Literature cited by the submitters: PubMed 23472759; PubMed 25925986.

NM_002291.3(LAMB1):c.2633del (p.Pro878fs)

Gene: LAMB1 (laminin subunit beta 1; minus strand). Cytogenetic location: 7q31.1.
Variant type: Deletion.
Coding change: c.2633del on transcript NM_002291.3 (MANE Select); coding-DNA position 2633, one base deleted (C; older notation c.2633delC).
Protein change: p.Pro878fs; shifts the reading frame from proline 878.
Molecular consequence: frameshift variant.
Genome position (GRCh38, 1-based): chr7:107,959,306, G deleted on the plus strand (C on the coding strand, the reverse complement: LAMB1 is on the minus strand); the first of 3 consecutive G bases (chr7:107,959,306-107,959,308); deleting any one gives the same sequence. VCF-style (leftmost placement, unchanged base first): chr7-107959305-TG-T. GRCh37 (hg19) VCF-style: chr7-107599750-TG-T.
Other names: short protein forms P878fs.
Identifiers: ClinVar variation 2121433 (VCV002121433.4), dbSNP rs2535448305, ClinGen allele CA2580076199.
Genomic context (GRCh38, chr7:107,959,305, plus strand): 5'-ATACCTTTCACAGTTATGACCCATGGTGTAGTCCTGGCAGTTCAAGCACTCCCCAGTCAC[TG>T]GGTCGCAGTCATCGGCGTGGCCATTGCACTGGCAGGGCTGGCAACTTGGAAAGCCCCAGT-3'